The following is an entry in ClinVar:

ClinVar aggregate classification (germline): Uncertain significance (1 of 4 stars; one submission).

Conditions:
Rhabdoid tumor predisposition syndrome 2 (RTPS2). Identifiers: Orphanet 231108, Orphanet 69077, MedGen C2750074, MONDO:0013224, OMIM 613325.

Submission:

Labcorp Genetics (formerly Invitae), Labcorp
Classification: Uncertain significance for Rhabdoid tumor predisposition syndrome 2. Last evaluated: 2025-11-10. Review status: criteria provided, single submitter. Criteria: Invitae Variant Classification Sherloc (09022015). Collection method: clinical testing. Allele origin: germline.
Comment: This sequence change replaces glycine, which is neutral and non-polar, with arginine, which is basic and polar, at codon 1643 of the SMARCA4 protein (p.Gly1643Arg). This variant is not present in population databases (gnomAD no frequency). This variant has not been reported in the literature in individuals affected with SMARCA4-related conditions. Invitae Evidence Modeling of protein sequence and biophysical properties (such as structural, functional, and spatial information, amino acid conservation, physicochemical variation, residue mobility, and thermodynamic stability) indicates that this missense variant is not expected to disrupt SMARCA4 protein function with a negative predictive value of 95%. In summary, the available evidence is currently insufficient to determine the role of this variant in disease. Therefore, it has been classified as a Variant of Uncertain Significance.

NM_003072.5(SMARCA4):c.4831G>C (p.Gly1611Arg)

Gene: SMARCA4 (SWI/SNF related BAF chromatin remodeling complex subunit ATPase 4; plus strand). Cytogenetic location: 19p13.2.
Variant type: single nucleotide variant.
Coding change: c.4831G>C on transcript NM_003072.5 (MANE Select); coding-DNA position 4831, G replaced by C.
Protein change: p.Gly1611Arg; replaces glycine 1611 with arginine.
Molecular consequence: missense variant. On other transcripts: non-coding transcript variant (1).
Genome position (GRCh38, 1-based): chr19:11,060,107, G>C. VCF-style: chr19-11060107-G-C. GRCh37 (hg19) VCF-style: chr19-11170783-G-C.
Other names: c.4831G>C, p.Gly1611Arg (NM_001128844.3); c.4741G>C, p.Gly1581Arg (NM_001128845.2); c.4738G>C, p.Gly1580Arg (NM_001128846.2); c.4732G>C, p.Gly1578Arg (NM_001128847.4, NM_001374457.1); c.4729G>C, p.Gly1577Arg (NM_001128848.2); c.4927G>C, p.Gly1643Arg (NM_001128849.3, NM_001387283.1); c.4828G>C, p.Gly1610Arg (NM_001411150.1); short protein forms G1580R, G1578R, G1581R, G1577R, G1610R, G1611R, G1643R.
Identifiers: ClinVar variation 4774556 (VCV004774556.1).